The following is an entry in ClinVar:

ClinVar aggregate classification (germline): Uncertain significance (1 of 4 stars; one submission).

Submission:

Women's Health and Genetics/Laboratory Corporation of America, LabCorp
Classification: Uncertain significance. Last evaluated: 2023-01-05. Review status: criteria provided, single submitter. Criteria: LabCorp Variant Classification Summary - May 2015. Collection method: clinical testing. Allele origin: germline.
Comment: Variant summary: ALMS1 c.12472C>T/p.Gln4158X(also known as c.12478C>T/p.Gln4160X in RefSeq) results in a premature termination codon at the c-terminus end of the protein. The truncated protein possibly still maintains the normal function. Truncations in this region (p.Arg4132LysfsX23, p.Arg4137IlefsX4, p.Gln4149X) have been classified as VUS by our laboratory. The variant was absent in 249496 control chromosomes. To our knowledge, no occurrence of c.12472C>T in individuals affected with Alstrom Syndrome and no experimental evidence demonstrating its impact on protein function have been reported. No clinical diagnostic laboratories have submitted clinical-significance assessments for this variant to ClinVar after 2014. Based on the evidence outlined above, the variant was classified as VUS.

NM_001378454.1(ALMS1):c.12475C>T (p.Gln4159Ter)

Gene: ALMS1 (ALMS1 centrosome and basal body associated protein; plus strand). Cytogenetic location: 2p13.1.
Variant type: single nucleotide variant.
Coding change: c.12475C>T on transcript NM_001378454.1 (MANE Select); coding-DNA position 12475, C replaced by T.
Protein change: p.Gln4159Ter; replaces glutamine 4159 with a stop codon.
Molecular consequence: nonsense.
Genome position (GRCh38, 1-based): chr2:73,609,580, C>T. VCF-style: chr2-73609580-C-T. GRCh37 (hg19) VCF-style: chr2-73836707-C-T.
Other names: c.12478C>T, p.Gln4160Ter (NM_015120.4); short protein forms Q4159*, Q4160*.
Identifiers: ClinVar variation 2429250 (VCV002429250.3), dbSNP rs2466543125, ClinGen allele CA347276418.